The following is an entry in ClinVar:

ClinVar aggregate classification (germline): Uncertain significance. Review status: criteria provided, multiple submitters, no conflicts (2 of 4 stars). 2 submissions from 2 submitters: Uncertain significance (2). Last evaluated 2025-02-09.

Conditions:
Pityriasis rubra pilaris (PRP). Also called: Pityriasis rubra pilaris--familial type. Identifiers: Orphanet 2897, MedGen C0032027, MONDO:0100017, OMIM 173200, MONDO:0008251.
Psoriasis 2. Identifiers: MedGen C1864497, MONDO:0011269, OMIM 602723.
Inborn genetic diseases. Identifiers: MedGen C0950123, MeSH D030342.

Allele frequency attached by ClinVar (database versions not stated): gnomAD 0.00003; ExAC 0.00006; ESP Exome Variant Server 0.00008.
gnomAD v4.1: 26 of 1,613,212 alleles (0.0016%); highest among the groups gnomAD compares: East Asian, 0.031%; no homozygotes.

Submissions (2):

Labcorp Genetics (formerly Invitae), Labcorp
Classification: Uncertain significance for Pityriasis rubra pilaris; Psoriasis 2. Last evaluated: 2025-02-09. Review status: criteria provided, single submitter. Criteria: Invitae Variant Classification Sherloc (09022015). Collection method: clinical testing. Allele origin: germline.
Comment: This sequence change replaces glycine, which is neutral and non-polar, with arginine, which is basic and polar, at codon 588 of the CARD14 protein (p.Gly588Arg). This variant is present in population databases (rs372197132, gnomAD 0.04%). This variant has not been reported in the literature in individuals affected with CARD14-related conditions. ClinVar contains an entry for this variant (Variation ID: 2154578). Invitae Evidence Modeling of protein sequence and biophysical properties (such as structural, functional, and spatial information, amino acid conservation, physicochemical variation, residue mobility, and thermodynamic stability) has been performed for this missense variant. However, the output from this modeling did not meet the statistical confidence thresholds required to predict the impact of this variant on CARD14 protein function. In summary, the available evidence is currently insufficient to determine the role of this variant in disease. Therefore, it has been classified as a Variant of Uncertain Significance.

Ambry Genetics
Classification: Uncertain significance for Inborn genetic diseases. Last evaluated: 2023-04-25. Review status: criteria provided, single submitter. Criteria: Ambry Variant Classification Scheme 2023. Collection method: clinical testing. Allele origin: germline.

NM_001366385.1(CARD14):c.1762G>A (p.Gly588Arg)

Gene: CARD14 (caspase recruitment domain family member 14; plus strand). Cytogenetic location: 17q25.3.
Variant type: single nucleotide variant.
Coding change: c.1762G>A on transcript NM_001366385.1 (MANE Select); coding-DNA position 1762, G replaced by A.
Protein change: p.Gly588Arg; replaces glycine 588 with arginine.
Molecular consequence: missense variant. On other transcripts: non-coding transcript variant (1).
Genome position (GRCh38, 1-based): chr17:80,198,502, G>A. VCF-style: chr17-80198502-G-A. GRCh37 (hg19) VCF-style: chr17-78172301-G-A.
Other names: c.1762G>A, p.Gly588Arg (NM_001257970.1, NM_024110.4); c.1051G>A, p.Gly351Arg (NM_052819.3); c.1762G>A (NM_024110.3); short protein forms G588R, G351R.
Identifiers: ClinVar variation 2154578 (VCV002154578.6), dbSNP rs372197132, ClinGen allele CA8816981.